The following is an entry in ClinVar:

NM_000051.4(ATM):c.7884del (p.Ile2629fs)

Genes: ATM (ATM serine/threonine kinase; plus strand), C11orf65 (chromosome 11 open reading frame 65; minus strand). Cytogenetic location: 11q22.3.
Variant type: Deletion.
Coding change: c.7884del on transcript NM_000051.4 (MANE Select); coding-DNA position 7884, one base deleted (T; older notation c.7884delT).
Protein change: p.Ile2629fs; shifts the reading frame from isoleucine 2629.
Molecular consequence: frameshift variant. On other transcripts: intron variant (2).
Genome position (GRCh38, 1-based): chr11:108,332,857, T deleted; the last of 2 consecutive T bases (chr11:108,332,856-108,332,857); deleting either gives the same sequence. VCF-style (leftmost placement, unchanged base first): chr11-108332855-AT-A. GRCh37 (hg19) VCF-style: chr11-108203582-AT-A.
Other names: c.7884del, p.Ile2629fs (NM_001351834.2); c.641-23785del (NM_001330368.2); c.*38+2364del (NM_001351110.2); short protein forms I2629fs.
Identifiers: ClinVar variation 4710771 (VCV004710771.2).

ClinVar aggregate classification (germline): Pathogenic. Review status: criteria provided, multiple submitters, no conflicts (2 of 4 stars). 2 submissions from 2 submitters: Pathogenic (2). Last evaluated 2026-08-03.

Conditions:
Ataxia-telangiectasia syndrome (AT). Also called: Ataxia-telangiectasia, complementation group D; AT, COMPLEMENTATION GROUP C; ATAXIA-TELANGIECTASIA, COMPLEMENTATION GROUP A; ATAXIA-TELANGIECTASIA, FRESNO VARIANT; Ataxia-telangiectasia; Ataxia-telangiectasia, complementation group E. Identifiers: Orphanet 100, MedGen C0004135, MONDO:0008840, OMIM 208900.
Hereditary cancer-predisposing syndrome. Also called: Hereditary Cancer Syndrome; Neoplastic Syndromes, Hereditary; Tumor predisposition; Hereditary neoplastic syndrome. Identifiers: Orphanet 140162, MedGen C0027672, MeSH D009386, MONDO:0015356.

Submissions (2):

Ambry Genetics
Classification: Pathogenic for Hereditary cancer-predisposing syndrome. Last evaluated: 2026-08-03. Review status: criteria provided, single submitter. Criteria: Ambry Variant Classification Scheme 2023. Collection method: clinical testing. Allele origin: germline.
Comment: The c.7884delT pathogenic mutation, located in coding exon 52 of the ATM gene, results from a deletion of one nucleotide at nucleotide position 7884, causing a translational frameshift with a predicted alternate stop codon (p.I2629Yfs*2). This variant has been identified in the homozygous state and/or in conjunction with other ATM variant(s) in individual(s) with features consistent with ataxia telangiectasia (Fernandes Pineda M et al. Biomedica, 2024 Dec;44:168-177). This variant is considered to be rare based on population cohorts in the Genome Aggregation Database (gnomAD). This alteration is expected to result in loss of function by premature protein truncation or nonsense-mediated mRNA decay. As such, this alteration is interpreted as a disease-causing mutation.

Labcorp Genetics (formerly Invitae), Labcorp
Classification: Pathogenic for Ataxia-telangiectasia syndrome. Last evaluated: 2025-02-12. Review status: criteria provided, single submitter. Criteria: Invitae Variant Classification Sherloc (09022015). Collection method: clinical testing. Allele origin: germline.
Comment: This sequence change creates a premature translational stop signal (p.Ile2629Tyrfs*2) in the ATM gene. It is expected to result in an absent or disrupted protein product. Loss-of-function variants in ATM are known to be pathogenic (PMID: 23807571, 25614872). This variant is not present in population databases (gnomAD no frequency). This variant has not been reported in the literature in individuals affected with ATM-related conditions. Algorithms developed to predict the effect of sequence changes on RNA splicing suggest that this variant may disrupt the consensus splice site. For these reasons, this variant has been classified as Pathogenic.

Literature cited by the submitters: PubMed 39836844 (cited by Ambry Genetics); PubMed 23807571 (cited by Labcorp Genetics (formerly Invitae), Labcorp); PubMed 25614872 (cited by Labcorp Genetics (formerly Invitae), Labcorp).